The following is an entry in ClinVar:

ClinVar aggregate classification (germline): Likely benign (0 of 4 stars; one submission).

Conditions:
TMEM132D-related disorder. Also called: TMEM132D-related condition.

Allele frequency attached by ClinVar (database versions not stated): gnomAD 0.00007; gnomAD exomes 0.00008; TOPMed 0.00008; 1000 Genomes Project 30x 0.00016; ExAC 0.00016; 1000 Genomes Project 0.00020.
gnomAD v4.1: 146 of 1,614,062 alleles (0.009%); highest among the groups gnomAD compares: East Asian, 0.25%; no homozygotes.

Submission:

PreventionGenetics, part of Exact Sciences
Classification: Likely benign for TMEM132D-related condition. Last evaluated: 2023-07-22. Review status: no assertion criteria provided. Collection method: clinical testing. Allele origin: germline.
Comment: This variant is classified as likely benign based on ACMG/AMP sequence variant interpretation guidelines (Richards et al. 2015 PMID: 25741868, with internal and published modifications).

NM_133448.3(TMEM132D):c.3003A>G (p.Lys1001=)

Gene: TMEM132D (transmembrane protein 132D; minus strand). Cytogenetic location: 12q24.33.
Variant type: single nucleotide variant.
Coding change: c.3003A>G on transcript NM_133448.3 (MANE Select); coding-DNA position 3003, A replaced by G.
Protein change: p.Lys1001=; no amino-acid change (lysine 1001 retained).
Molecular consequence: synonymous variant.
Genome position (GRCh38, 1-based): chr12:129,074,172, T>C on the plus strand (A>G on the coding strand, the complement: TMEM132D is on the minus strand). VCF-style: chr12-129074172-T-C. GRCh37 (hg19) VCF-style: chr12-129558717-T-C.
Identifiers: ClinVar variation 3047275 (VCV003047275.2), dbSNP rs199691995, ClinGen allele CA6875683.